The following is an entry in ClinVar:

NM_020975.6(RET):c.613A>T (p.Arg205Trp)

Gene: RET (ret proto-oncogene; plus strand). Cytogenetic location: 10q11.21.
Variant type: single nucleotide variant.
Coding change: c.613A>T on transcript NM_020975.6 (MANE Select); coding-DNA position 613, A replaced by T.
Protein change: p.Arg205Trp; replaces arginine 205 with tryptophan.
Molecular consequence: missense variant.
Genome position (GRCh38, 1-based): chr10:43,102,617, A>T. VCF-style: chr10-43102617-A-T. GRCh37 (hg19) VCF-style: chr10-43598065-A-T.
Other names: c.613A>T, p.Arg205Trp (NM_000323.2, NM_001406743.1, NM_001406744.1 and 16 more transcripts); c.484A>T, p.Arg162Trp (NM_001406761.1, NM_001406762.1, NM_001406764.1 and 4 more transcripts); short protein forms R205W, R162W.
Identifiers: ClinVar variation 1411762 (VCV001411762.7), dbSNP rs1564490234, ClinGen allele CA376543673.

ClinVar aggregate classification (germline): Uncertain significance (1 of 4 stars; one submission).

Conditions:
Multiple endocrine neoplasia, type 2 (MEN2). Identifiers: Orphanet 653, MedGen C4048306, MONDO:0019003. Disease mechanism: gain of function.

Submission:

Labcorp Genetics (formerly Invitae), Labcorp
Classification: Uncertain significance for Multiple endocrine neoplasia, type 2. Last evaluated: 2024-04-22. Review status: criteria provided, single submitter. Criteria: Invitae Variant Classification Sherloc (09022015). Collection method: clinical testing. Allele origin: germline.
Comment: This sequence change replaces arginine, which is basic and polar, with tryptophan, which is neutral and slightly polar, at codon 205 of the RET protein (p.Arg205Trp). This variant is not present in population databases (gnomAD no frequency). This variant has not been reported in the literature in individuals affected with RET-related conditions. ClinVar contains an entry for this variant (Variation ID: 1411762). An algorithm developed to predict the effect of missense changes on protein structure and function (PolyPhen-2) suggests that this variant is likely to be disruptive. In summary, the available evidence is currently insufficient to determine the role of this variant in disease. Therefore, it has been classified as a Variant of Uncertain Significance.